The following is an entry in ClinVar:

ClinVar aggregate classification (germline): Uncertain significance. Review status: criteria provided, multiple submitters, no conflicts (2 of 4 stars). 2 submissions from 2 submitters: Uncertain significance (2). Last evaluated 2025-03-06.

Allele frequency attached by ClinVar (database versions not stated): gnomAD 0.00003; gnomAD exomes 0.00003; TOPMed 0.00003; ExAC 0.00004.

Submissions (2):

Ambry Genetics
Classification: Uncertain significance. Last evaluated: 2025-03-06. Review status: criteria provided, single submitter. Criteria: Ambry Variant Classification Scheme 2023. Collection method: clinical testing. Allele origin: germline.

CeGaT Center for Human Genetics Tuebingen
Classification: Uncertain significance. Last evaluated: 2022-08-01. Review status: criteria provided, single submitter. Criteria: CeGaT Center For Human Genetics Tuebingen Variant Classification Criteria Version 2. Collection method: clinical testing. Allele origin: germline. Affected: yes. Observed: 1 variant allele.
Comment: LTBP1: PM2, BP4

NM_206943.4(LTBP1):c.769G>A (p.Ala257Thr)

Gene: LTBP1 (latent transforming growth factor beta binding protein 1; plus strand). Cytogenetic location: 2p22.3.
Variant type: single nucleotide variant.
Coding change: c.769G>A on transcript NM_206943.4 (MANE Select); coding-DNA position 769, G replaced by A.
Protein change: p.Ala257Thr; replaces alanine 257 with threonine.
Molecular consequence: missense variant.
Genome position (GRCh38, 1-based): chr2:33,021,112, G>A. VCF-style: chr2-33021112-G-A. GRCh37 (hg19) VCF-style: chr2-33246179-G-A.
Other names: c.769G>A (NM_206943.2); c.769G>A, p.Ala257Thr (NM_001394905.1); short protein forms A257T.
Identifiers: ClinVar variation 1711497 (VCV001711497.33), dbSNP rs749599370, ClinGen allele CA1606843.